The following is an entry in ClinVar:

NM_000215.4(JAK3):c.631A>G (p.Arg211Gly)

Gene: JAK3 (Janus kinase 3; minus strand). Cytogenetic location: 19p13.11.
Variant type: single nucleotide variant.
Coding change: c.631A>G on transcript NM_000215.4 (MANE Select); coding-DNA position 631, A replaced by G.
Protein change: p.Arg211Gly; replaces arginine 211 with glycine.
Molecular consequence: missense variant.
Genome position (GRCh38, 1-based): chr19:17,842,546, T>C on the plus strand (A>G on the coding strand, the complement: JAK3 is on the minus strand). VCF-style: chr19-17842546-T-C. GRCh37 (hg19) VCF-style: chr19-17953355-T-C.
Other names: short protein forms R211G.
Identifiers: ClinVar variation 1979556 (VCV001979556.1), dbSNP rs56269787, ClinGen allele CA9302112.

ClinVar aggregate classification (germline): Uncertain significance (1 of 4 stars; one submission).

Conditions:
T-B+ severe combined immunodeficiency due to JAK3 deficiency. Also called: SCID, autosomal recessive, T-negative/B-positive type; SCID, T CELL-NEGATIVE, B CELL-POSITIVE, NK CELL-NEGATIVE. Identifiers: Orphanet 35078, MedGen C1833275, MONDO:0010938, OMIM 600802.

gnomAD v4.1: 37 of 1,587,750 alleles (0.0023%); highest among the groups gnomAD compares: South Asian, 0.032%; no homozygotes.

Submission:

Labcorp Genetics (formerly Invitae), Labcorp
Classification: Uncertain significance for T-B+ severe combined immunodeficiency due to JAK3 deficiency. Last evaluated: 2022-02-03. Review status: criteria provided, single submitter. Criteria: Invitae Variant Classification Sherloc (09022015). Collection method: clinical testing. Allele origin: germline.
Comment: This sequence change replaces arginine, which is basic and polar, with glycine, which is neutral and non-polar, at codon 211 of the JAK3 protein (p.Arg211Gly). This variant is present in population databases (rs56269787, gnomAD 0.03%). This variant has not been reported in the literature in individuals affected with JAK3-related conditions. Algorithms developed to predict the effect of missense changes on protein structure and function (SIFT, PolyPhen-2, Align-GVGD) all suggest that this variant is likely to be tolerated. In summary, the available evidence is currently insufficient to determine the role of this variant in disease. Therefore, it has been classified as a Variant of Uncertain Significance.